The following is an entry in ClinVar:

ClinVar aggregate classification (germline): Conflicting classifications of pathogenicity. Review status: criteria provided, conflicting classifications (1 of 4 stars). 5 submissions from 5 submitters: Uncertain significance (1); Benign (1); Likely benign (2). 1 of the submissions does not count toward it. Last evaluated 2025-11-24.

Conditions:
CYP7A1-related disorder. Also called: CYP7A1-related condition.

Allele frequency attached by ClinVar (database versions not stated): gnomAD 0.00037 and 0.00042; 1000 Genomes Project 0.00040; gnomAD exomes 0.00042 and 0.00063; 1000 Genomes Project 30x 0.00047; TOPMed 0.00048; ExAC 0.00049; ESP Exome Variant Server 0.00054.
gnomAD v4.1: 703 of 1,614,108 alleles (0.044%); highest among the groups gnomAD compares: Middle Eastern, 1.1%; 4 homozygotes.

Submissions (5):

Labcorp Genetics (formerly Invitae), Labcorp
Classification: Benign. Last evaluated: 2025-11-24. Review status: criteria provided, single submitter. Criteria: Invitae Variant Classification Sherloc (09022015). Collection method: clinical testing. Allele origin: germline.

Mayo Clinic Laboratories, Mayo Clinic
Classification: Likely benign. Last evaluated: 2025-03-25. Review status: criteria provided, single submitter. Criteria: ACMG Guidelines, 2015. Collection method: clinical testing. Allele origin: germline. Observed: 4 variant alleles.
Comment: BP4, BP7

GeneDx
Classification: Likely benign. Last evaluated: 2020-03-11. Review status: criteria provided, single submitter. Criteria: GeneDx Variant Classification Process June 2021. Collection method: clinical testing. Allele origin: germline. Affected: yes.

Eurofins Ntd Llc (ga)
Classification: Uncertain significance. Last evaluated: 2018-09-13. Review status: criteria provided, single submitter. Criteria: EGL ClinVar v180209 classification definitions. Collection method: clinical testing. Allele origin: germline. Observed: 5 variant alleles, 5 heterozygotes.

PreventionGenetics, part of Exact Sciences
Classification: Likely benign for CYP7A1-related condition. Last evaluated: 2021-03-10. Review status: no assertion criteria provided. Collection method: clinical testing. Allele origin: germline. Not counted in ClinVar's aggregate classification.
Comment: This variant is classified as likely benign based on ACMG/AMP sequence variant interpretation guidelines (Richards et al. 2015 PMID: 25741868, with internal and published modifications).

NM_000780.4(CYP7A1):c.123C>T (p.Tyr41=)

Gene: CYP7A1 (cytochrome P450 family 7 subfamily A member 1; minus strand). Cytogenetic location: 8q12.1.
Variant type: single nucleotide variant.
Coding change: c.123C>T on transcript NM_000780.4 (MANE Select); coding-DNA position 123, C replaced by T.
Protein change: p.Tyr41=; no amino-acid change (tyrosine 41 retained).
Molecular consequence: synonymous variant.
Genome position (GRCh38, 1-based): chr8:58,498,427, G>A on the plus strand (C>T on the coding strand, the complement: CYP7A1 is on the minus strand). VCF-style: chr8-58498427-G-A. GRCh37 (hg19) VCF-style: chr8-59410986-G-A.
Other names: p.Tyr41=.
Identifiers: ClinVar variation 502778 (VCV000502778.18), dbSNP rs150351766, ClinGen allele CA4756872.
Genomic context (GRCh38, chr8:58,498,427, plus strand): 5'-CCTTTGATTTGCTCTGAGGAACTCAAGAGGATTGGCACCAAATTGCAGAGCACAGCCCAG[G>A]TATGGAATTAATCCATTCTCTAGAGGTGGTTCACCCGTTTGCCTGTCAGACACAAGTGTA-3'
Protein context (NP_000771.2, residues 31-51): EPPLENGLIP[Tyr41=]LGCALQFGAN